The following is an entry in ClinVar:

ClinVar aggregate classification (germline): Likely pathogenic (1 of 4 stars; one submission).

Conditions:
Fabry disease. Also called: ALPHA-GALACTOSIDASE A DEFICIENCY; ANDERSON-FABRY DISEASE; CERAMIDE TRIHEXOSIDASE DEFICIENCY; GLA DEFICIENCY; HEREDITARY DYSTOPIC LIPIDOSIS; Angiokeratoma corporis diffusum. Identifiers: Orphanet 324, MedGen C0002986, MONDO:0010526, OMIM 301500, HP:0001071. Disease mechanism: Fabry disease is due to inactivating mutations in the X-linked GLA gene resulting in deficiency of the enzyme Alpha Galactosidase-A., loss of function.

Submission:

Genomenon, Inc
Classification: Likely pathogenic for Fabry disease. Last evaluated: 2026-09-08. Review status: criteria provided, single submitter. Criteria: Genomenon Sequence Variant Interpretation Standards - Updated. Collection method: curation. Allele origin: germline. Affected: yes.
Comment: GLA p.Arg220Pro (c.659G>C) is a missense variant that changes the amino acid at codon 220 from Arginine to Proline. This variant has been observed in at least one proband with clinical features consistent with Fabry disease (PMID:23608164;29543226;32843101). The variant was found to segregate with disease in at least one affected family (PMID:23608164). Functional or patient cell studies have been reported (PMID:29543226;32843101;34205365;27657681;23608164). It is absent or not present at a significant frequency in gnomAD. In conclusion, we classify GLA p.Arg220Pro (c.659G>C) as a likely pathogenic variant.

Literature cited by the submitters: PubMed 23608164; PubMed 29543226; PubMed 32843101; PubMed 34205365; PubMed 27657681.

NM_000169.3(GLA):c.659G>C (p.Arg220Pro)

Genes: GLA (galactosidase alpha; minus strand), RPL36A-HNRNPH2 (RPL36A-HNRNPH2 readthrough; plus strand). Cytogenetic location: Xq22.1.
Variant type: single nucleotide variant.
Coding change: c.659G>C on transcript NM_000169.3 (MANE Select); coding-DNA position 659, G replaced by C.
Protein change: p.Arg220Pro; replaces arginine 220 with proline.
Molecular consequence: missense variant. On other transcripts: non-coding transcript variant (3), intron variant (2).
Genome position (GRCh38, 1-based): chrX:101,398,927, C>G on the plus strand (G>C on the coding strand, the complement: GLA is on the minus strand). VCF-style: chrX-101398927-C-G. GRCh37 (hg19) VCF-style: chrX-100653915-C-G.
Other names: c.782G>C, p.Arg261Pro (NM_001406747.1); c.659G>C, p.Arg220Pro (NM_001406748.1); c.300+3470C>G (NM_001199973.2); c.177+7105C>G (NM_001199974.2); short protein forms R220P, R261P.
Identifiers: ClinVar variation 4087454 (VCV004087454.2).